The following is an entry in ClinVar:

ClinVar aggregate classification (germline): Uncertain significance. Review status: criteria provided, single submitter (1 of 4 stars). 2 submissions from 2 submitters: Uncertain significance (1). 1 of the submissions does not count toward it. Last evaluated 2022-09-01.

Conditions:
Cohen syndrome (COH1). Also called: PEPPER SYNDROME; Cutis verticis gyrata, retinitis pigmentosa, and sensorineural deafness. Identifiers: Orphanet 193, MedGen C0265223, MONDO:0008999, OMIM 216550.

gnomAD v4.1: 4 of 1,613,714 alleles (0.00025%); highest among the groups gnomAD compares: Non-Finnish European, 0.00034%; no homozygotes.

Submissions (2):

Labcorp Genetics (formerly Invitae), Labcorp
Classification: Uncertain significance for Cohen syndrome. Last evaluated: 2022-09-01. Review status: criteria provided, single submitter. Criteria: Invitae Variant Classification Sherloc (09022015). Collection method: clinical testing. Allele origin: germline.
Comment: In summary, the available evidence is currently insufficient to determine the role of this variant in disease. Therefore, it has been classified as a Variant of Uncertain Significance. Algorithms developed to predict the effect of missense changes on protein structure and function are either unavailable or do not agree on the potential impact of this missense change (SIFT: "Not Available"; PolyPhen-2: "Benign"; Align-GVGD: "Not Available"). ClinVar contains an entry for this variant (Variation ID: 991548). This variant has not been reported in the literature in individuals affected with VPS13B-related conditions. This variant is present in population databases (rs147593451, gnomAD 0.0009%). This sequence change replaces histidine, which is basic and polar, with glutamine, which is neutral and polar, at codon 2604 of the VPS13B protein (p.His2604Gln).

Natera, Inc.
Classification: Uncertain significance for Cohen syndrome. Last evaluated: 2020-08-14. Review status: no assertion criteria provided. Collection method: clinical testing. Allele origin: germline. Not counted in ClinVar's aggregate classification.

NM_152564.5(VPS13B):c.7737T>A (p.His2579Gln)

Gene: VPS13B (vacuolar protein sorting 13 homolog B; plus strand). Cytogenetic location: 8q22.2.
Variant type: single nucleotide variant.
Coding change: c.7737T>A on transcript NM_152564.5 (MANE Select); coding-DNA position 7737, T replaced by A.
Protein change: p.His2579Gln; replaces histidine 2579 with glutamine.
Molecular consequence: missense variant.
Genome position (GRCh38, 1-based): chr8:99,778,989, T>A. VCF-style: chr8-99778989-T-A. GRCh37 (hg19) VCF-style: chr8-100791217-T-A.
Other names: c.7812T>A, p.His2604Gln (NM_017890.5); short protein forms H2579Q, H2604Q.
Identifiers: ClinVar variation 991548 (VCV000991548.5), dbSNP rs147593451, ClinGen allele CA4824279.